The following is an entry in ClinVar:

NM_021615.5(CHST6):c.*5187T>G

Gene: CHST6 (carbohydrate sulfotransferase 6; minus strand). Cytogenetic location: 16q23.1.
Variant type: single nucleotide variant.
Coding change: c.*5187T>G on transcript NM_021615.5 (MANE Select); 5187 bases downstream of the stop codon, T replaced by G.
Molecular consequence: 3 prime UTR variant. On other transcripts: non-coding transcript variant (2).
Genome position (GRCh38, 1-based): chr16:75,473,454, A>C on the plus strand (T>G on the coding strand, the complement: CHST6 is on the minus strand). VCF-style: chr16-75473454-A-C. GRCh37 (hg19) VCF-style: chr16-75507352-A-C.
Identifiers: ClinVar variation 320508 (VCV000320508.5), dbSNP rs28710075, ClinGen allele CA10648061.

ClinVar aggregate classification (germline): Benign (1 of 4 stars; one submission).

Conditions:
Macular corneal dystrophy (MCD). Also called: GROENOUW TYPE II CORNEAL DYSTROPHY; Macular corneal dystrophy Type I. Identifiers: Orphanet 98969, MedGen C1636149, MONDO:0009020, OMIM 217800.

Allele frequency attached by ClinVar (database versions not stated): 1000 Genomes Project 30x 0.00406; 1000 Genomes Project 0.00479; gnomAD 0.00603 and 0.00653; TOPMed 0.00676.

Submission:

Illumina Laboratory Services, Illumina
Classification: Benign for Macular corneal dystrophy. Last evaluated: 2018-01-13. Review status: criteria provided, single submitter. Criteria: ICSL Variant Classification Criteria 13 December 2019. Collection method: clinical testing. Allele origin: germline.
Comment: This variant was observed in the ICSL laboratory as part of a predisposition screen in an ostensibly healthy population. It had not been previously curated by ICSL or reported in the Human Gene Mutation Database (HGMD: prior to June 1st, 2018), and was therefore a candidate for classification through an automated scoring system. Utilizing variant allele frequency, disease prevalence and penetrance estimates, and inheritance mode, an automated score was calculated to assess if this variant is too frequent to cause the disease. Based on the score and internal cut-off values, a variant classified as benign is not then subjected to further curation. The score for this variant resulted in a classification of benign for this disease.